The following is an entry in ClinVar:

ClinVar aggregate classification (germline): Uncertain significance. Review status: criteria provided, multiple submitters, no conflicts (2 of 4 stars). 2 submissions from 2 submitters: Uncertain significance (2). Last evaluated 2024-09-30.

Conditions:
Leber congenital amaurosis 7 (LCA7). Identifiers: Orphanet 65, MedGen C3151192, MONDO:0013449, OMIM 613829.
Cone-rod dystrophy 2 (CORD2). Also called: CONE-ROD RETINAL DYSTROPHY; Cone-rod retinal dystrophy 2. Identifiers: Orphanet 1872, MedGen C3489532, MONDO:0007362, OMIM 120970.

Allele frequency attached by ClinVar (database versions not stated): TOPMed below 0.00001; gnomAD 0.00001.
gnomAD v4.1: 25 of 1,613,998 alleles (0.0015%); highest among the groups gnomAD compares: Non-Finnish European, 0.002%; no homozygotes.

Submissions (2):

Blueprint Genetics
Classification: Uncertain significance. Last evaluated: 2024-09-30. Review status: criteria provided, single submitter. Criteria: ACMG Guidelines, 2015. Collection method: clinical testing. Allele origin: germline.

Labcorp Genetics (formerly Invitae), Labcorp
Classification: Uncertain significance for Cone-rod dystrophy 2; Leber congenital amaurosis 7. Last evaluated: 2022-10-03. Review status: criteria provided, single submitter. Criteria: Invitae Variant Classification Sherloc (09022015). Collection method: clinical testing. Allele origin: germline.
Comment: In summary, the available evidence is currently insufficient to determine the role of this variant in disease. Therefore, it has been classified as a Variant of Uncertain Significance. Advanced modeling of protein sequence and biophysical properties (such as structural, functional, and spatial information, amino acid conservation, physicochemical variation, residue mobility, and thermodynamic stability) performed at Invitae indicates that this missense variant is not expected to disrupt CRX protein function. ClinVar contains an entry for this variant (Variation ID: 867204). This variant has not been reported in the literature in individuals affected with CRX-related conditions. This variant is present in population databases (no rsID available, gnomAD 0.007%). This sequence change replaces alanine, which is neutral and non-polar, with proline, which is neutral and non-polar, at codon 15 of the CRX protein (p.Ala15Pro).

NM_000554.6(CRX):c.43G>C (p.Ala15Pro)

Gene: CRX (cone-rod homeobox; plus strand). Cytogenetic location: 19q13.33.
Variant type: single nucleotide variant.
Coding change: c.43G>C on transcript NM_000554.6 (MANE Select); coding-DNA position 43, G replaced by C.
Protein change: p.Ala15Pro; replaces alanine 15 with proline.
Molecular consequence: missense variant.
Genome position (GRCh38, 1-based): chr19:47,834,486, G>C. VCF-style: chr19-47834486-G-C. GRCh37 (hg19) VCF-style: chr19-48337743-G-C.
Other names: short protein forms A15P.
Identifiers: ClinVar variation 867204 (VCV000867204.7), dbSNP rs559181643, ClinGen allele CA406628824.
Genomic context (GRCh38, chr19:47,834,486, plus strand): 5'-TCAGTGTCCCCGAAGATCATGATGGCGTATATGAACCCGGGGCCCCACTATTCTGTCAAC[G>C]CCTTGGCCCTAAGTGGCCCCAGTGTGGATCTGATGCACCAGGCTGTGCCCTACCCAAGTG-3'
Protein context (NP_000545.1, residues 5-25): MNPGPHYSVN[Ala15Pro]LALSGPSVDL